The following is an entry in ClinVar:

ClinVar aggregate classification (germline): Uncertain significance (1 of 4 stars; one submission).

Conditions:
Glycogen storage disease, type II (IOPD). Also called: Pompe Disease; CARDIOMEGALIA GLYCOGENICA DIFFUSA; GLYCOGENOSIS, GENERALIZED, CARDIAC FORM; GSD II; POMPE DISEASE, INFANTILE-ONSET; GLYCOGEN STORAGE DISEASE II, INFANTILE-ONSET. Identifiers: Orphanet 365, MedGen C0017921, MONDO:0009290, OMIM 232300.

gnomAD v4.1: 1 of 1,612,844 alleles (0.000062%); highest among the groups gnomAD compares: African/African-American, 0.0013%; no homozygotes.

Submission:

Genomenon, Inc
Classification: Uncertain significance for Glycogen storage disease, type II. Last evaluated: 2026-07-01. Review status: criteria provided, single submitter. Criteria: Genomenon Sequence Variant Interpretation Standards - Updated. Collection method: curation. Allele origin: germline. Affected: yes.
Comment: GAA p.Tyr133Asp (c.397T>G) is a missense variant that changes the amino acid at codon 133 from Tyrosine to Aspartic acid. This variant has been observed in at least one proband with a GAA-related disorder in the compound heterozygous and/or homozygous state (PMID:31125121). It is absent or not present at a significant frequency in gnomAD. In conclusion, we classify GAA p.Tyr133Asp (c.397T>G) as a variant of uncertain significance.

Literature cited by the submitters: PubMed 31125121.

NM_000152.5(GAA):c.397T>G (p.Tyr133Asp)

Gene: GAA (alpha glucosidase; plus strand). Cytogenetic location: 17q25.3.
Variant type: single nucleotide variant.
Coding change: c.397T>G on transcript NM_000152.5 (MANE Select); coding-DNA position 397, T replaced by G.
Protein change: p.Tyr133Asp; replaces tyrosine 133 with aspartic acid.
Molecular consequence: missense variant.
Genome position (GRCh38, 1-based): chr17:80,104,983, T>G. VCF-style: chr17-80104983-T-G. GRCh37 (hg19) VCF-style: chr17-78078782-T-G.
Other names: c.397T>G, p.Tyr133Asp (NM_001079803.3, NM_001079804.3, NM_001406741.1 and 1 more transcripts); short protein forms Y133D.
Identifiers: ClinVar variation 4876321 (VCV004876321.1).